The following is an entry in ClinVar:

ClinVar aggregate classification (germline): Uncertain significance (1 of 4 stars; one submission).

Conditions:
Regional enteritis. Also called: Enteritis, Granulomatous. Identifiers: MedGen C0678202, MeSH D003424.
Blau syndrome (BLAUS). Also called: JABS SYNDROME; ARTHROCUTANEOUVEAL GRANULOMATOSIS; GRANULOMATOSIS, FAMILIAL JUVENILE SYSTEMIC; GRANULOMATOSIS, FAMILIAL, BLAU TYPE; GRANULOMATOUS INFLAMMATORY ARTHRITIS, DERMATITIS, AND UVEITIS, FAMILIAL. Identifiers: Orphanet 90340, MedGen C5201146, MONDO:0008523, OMIM 186580.

Allele frequency attached by ClinVar (database versions not stated): gnomAD exomes below 0.00001; gnomAD 0.00001; 1000 Genomes Project 30x 0.00016; 1000 Genomes Project 0.00020.
gnomAD v4.1: 1 of 1,613,778 alleles (0.000062%); highest among the groups gnomAD compares: East Asian, 0.0022%; no homozygotes.

Submission:

Labcorp Genetics (formerly Invitae), Labcorp
Classification: Uncertain significance for Regional enteritis; Blau syndrome. Last evaluated: 2022-05-12. Review status: criteria provided, single submitter. Criteria: Invitae Variant Classification Sherloc (09022015). Collection method: clinical testing. Allele origin: germline.
Comment: In summary, the available evidence is currently insufficient to determine the role of this variant in disease. Therefore, it has been classified as a Variant of Uncertain Significance. Advanced modeling of protein sequence and biophysical properties (such as structural, functional, and spatial information, amino acid conservation, physicochemical variation, residue mobility, and thermodynamic stability) performed at Invitae indicates that this missense variant is not expected to disrupt NOD2 protein function. ClinVar contains an entry for this variant (Variation ID: 1024912). This variant has not been reported in the literature in individuals affected with NOD2-related conditions. This variant is not present in population databases (gnomAD no frequency). This sequence change replaces glycine, which is neutral and non-polar, with glutamic acid, which is acidic and polar, at codon 936 of the NOD2 protein (p.Gly936Glu).

NM_001370466.1(NOD2):c.2726G>A (p.Gly909Glu)

Gene: NOD2 (nucleotide binding oligomerization domain containing 2; plus strand). Cytogenetic location: 16q12.1.
Variant type: single nucleotide variant.
Coding change: c.2726G>A on transcript NM_001370466.1 (MANE Select); coding-DNA position 2726, G replaced by A.
Protein change: p.Gly909Glu; replaces glycine 909 with glutamic acid.
Molecular consequence: missense variant. On other transcripts: non-coding transcript variant (1).
Genome position (GRCh38, 1-based): chr16:50,723,309, G>A. VCF-style: chr16-50723309-G-A. GRCh37 (hg19) VCF-style: chr16-50757220-G-A.
Other names: c.2726G>A, p.Gly909Glu (NM_001293557.2); c.2807G>A, p.Gly936Glu (NM_022162.3); short protein forms G909E, G936E.
Identifiers: ClinVar variation 1024912 (VCV001024912.9), dbSNP rs542558237, ClinGen allele CA281276380.